The following is an entry in ClinVar:

NM_000070.3(CAPN3):c.1810_1812del (p.Phe604del)

Gene: CAPN3 (calpain 3; plus strand). Cytogenetic location: 15q15.1.
Variant type: Deletion.
Coding change: c.1810_1812del on transcript NM_000070.3 (MANE Select); coding-DNA positions 1810 to 1812, 3 bases deleted (TTC; older notation c.1810_1812delTTC).
Protein change: p.Phe604del; deletes phenylalanine 604.
Molecular consequence: inframe deletion. On other transcripts: intron variant (3).
Genome position (GRCh38, 1-based): chr15:42,408,220-42,408,222, TTC deleted; deleting any 3 consecutive bases within chr15:42,408,218-42,408,222 gives the same sequence; the c. name uses the placement nearest the transcript's 3' end. VCF-style (leftmost placement, unchanged base first): chr15-42408217-ATCT-A. GRCh37 (hg19) VCF-style: chr15-42700415-ATCT-A.
Other names: c.1792_1794del, p.Phe598del (NM_024344.2); c.274_276del, p.Phe92del (NM_173088.2); c.1639-1083_1639-1081del (NM_173087.2); c.-81-1083_-81-1081del (NM_173090.2, NM_173089.2); short protein forms F598del, F92del, F604del.
Identifiers: ClinVar variation 1036089 (VCV001036089.12), dbSNP rs2054083117, ClinGen allele CA2172719008.
Genomic context (GRCh38, chr15:42,408,217, plus strand): 5'-CCTGTTCAGACTGTAATCCTCCCTTCCTTCCTGCCTCCTCCCTCCTCTCTCCAGCCCATC[ATCT>A]TCGTTTCGGACAGAGCAAACAGCAACAAGGAGCTGGGTGTGGACCAGGAGTCAGAGGAGG-3'

ClinVar aggregate classification (germline): Uncertain significance (1 of 4 stars; one submission).

Conditions:
Autosomal recessive limb-girdle muscular dystrophy type 2A (LGMDR1). Also called: Calpainopathy; LEYDEN-MOEBIUS MUSCULAR DYSTROPHY; MUSCULAR DYSTROPHY, PELVOFEMORAL; Muscular dystrophy, limb-girdle, type 2A, Amish; Limb-girdle muscular dystrophy, type 2A. Identifiers: Orphanet 267, MedGen C1869123, MONDO:0009675, OMIM 253600. Disease mechanism: loss of function.

Submission:

Labcorp Genetics (formerly Invitae), Labcorp
Classification: Uncertain significance for Autosomal recessive limb-girdle muscular dystrophy type 2A. Last evaluated: 2022-10-19. Review status: criteria provided, single submitter. Criteria: Invitae Variant Classification Sherloc (09022015). Collection method: clinical testing. Allele origin: germline.
Comment: Experimental studies and prediction algorithms are not available or were not evaluated, and the functional significance of this variant is currently unknown. In summary, the available evidence is currently insufficient to determine the role of this variant in disease. Therefore, it has been classified as a Variant of Uncertain Significance. ClinVar contains an entry for this variant (Variation ID: 1036089). This variant, c.1810_1812del, results in the deletion of 1 amino acid(s) of the CAPN3 protein (p.Phe604del), but otherwise preserves the integrity of the reading frame. This variant is not present in population databases (gnomAD no frequency). This variant has been observed in individual(s) with CAPN3-related conditions (Invitae). In at least one individual the data is consistent with being in trans (on the opposite chromosome) from a pathogenic variant.